The following is an entry in ClinVar:

ClinVar aggregate classification (germline): Uncertain significance (1 of 4 stars; one submission).

gnomAD v4.1: 2 of 1,613,950 alleles (0.00012%); highest among the groups gnomAD compares: African/African-American, 0.0013%; no homozygotes.

Submission:

GeneDx
Classification: Uncertain significance. Last evaluated: 2026-04-02. Review status: criteria provided, single submitter. Criteria: GeneDx Variant Classification Process June 2021. Collection method: clinical testing. Allele origin: germline.
Comment: Not observed at significant frequency in large population cohorts (gnomAD); In silico analysis suggests that this missense variant does not alter protein structure/function; Has not been previously published as pathogenic or benign to our knowledge

NM_000021.4(PSEN1):c.454G>C (p.Val152Leu)

Gene: PSEN1 (presenilin 1; plus strand). Cytogenetic location: 14q24.2.
Variant type: single nucleotide variant.
Coding change: c.454G>C on transcript NM_000021.4 (MANE Select); coding-DNA position 454, G replaced by C.
Protein change: p.Val152Leu; replaces valine 152 with leucine.
Molecular consequence: missense variant.
Genome position (GRCh38, 1-based): chr14:73,173,681, G>C. VCF-style: chr14-73173681-G-C. GRCh37 (hg19) VCF-style: chr14-73640389-G-C.
Other names: c.442G>C, p.Val148Leu (NM_007318.3); short protein forms V148L, V152L.
Identifiers: ClinVar variation 5018176 (VCV005018176.1).